The following is an entry in ClinVar:

ClinVar aggregate classification (germline): Uncertain significance (1 of 4 stars; one submission).

Conditions:
Inborn genetic diseases. Identifiers: MedGen C0950123, MeSH D030342.

gnomAD v4.1: 1 of 1,612,492 alleles (0.000062%); no homozygotes.

Submission:

Ambry Genetics
Classification: Uncertain significance for Inborn genetic diseases. Last evaluated: 2025-07-01. Review status: criteria provided, single submitter. Criteria: Ambry Variant Classification Scheme 2023. Collection method: clinical testing. Allele origin: germline.
Comment: The p.S873P variant (also known as c.2617T>C), located in coding exon 21 of the KDM1A gene, results from a T to C substitution at nucleotide position 2617. The serine at codon 873 is replaced by proline, an amino acid with similar properties. This amino acid position is conserved. In addition, this alteration is predicted to be tolerated by in silico analysis. Based on the available evidence, the clinical significance of this variant remains unclear.

NM_001009999.3(KDM1A):c.2617T>C (p.Ser873Pro)

Gene: KDM1A (lysine demethylase 1A; plus strand). Cytogenetic location: 1p36.12.
Variant type: single nucleotide variant.
Coding change: c.2617T>C on transcript NM_001009999.3 (MANE Select); coding-DNA position 2617, T replaced by C.
Protein change: p.Ser873Pro; replaces serine 873 with proline.
Molecular consequence: missense variant. On other transcripts: 3 prime UTR variant (1).
Genome position (GRCh38, 1-based): chr1:23,083,350, T>C. VCF-style: chr1-23083350-T-C. GRCh37 (hg19) VCF-style: chr1-23409843-T-C.
Other names: c.2563T>C, p.Ser855Pro (NM_001363654.2); c.2623T>C, p.Ser875Pro (NM_001410762.1); c.*865T>C (NM_001410763.1); c.2545T>C, p.Ser849Pro (NM_015013.4); short protein forms S849P, S875P, S855P, S873P.
Identifiers: ClinVar variation 4091041 (VCV004091041.1).